The following is an entry in ClinVar:

ClinVar aggregate classification (germline): Uncertain significance. Review status: criteria provided, multiple submitters, no conflicts (2 of 4 stars). 2 submissions from 2 submitters: Uncertain significance (2). Last evaluated 2026-01-12.

Conditions:
Wilson disease (WND). Also called: Wilson's disease. Identifiers: Orphanet 905, MedGen C0019202, MONDO:0010200, OMIM 277900. Disease mechanism: loss of function.

Submissions (2):

Myriad Genetics, Inc.
Classification: Uncertain significance for Wilson disease. Last evaluated: 2026-01-12. Review status: criteria provided, single submitter. Criteria: Myriad Autosomal Dominant, Autosomal Recessive and X-Linked Classification Criteria (2023). Collection method: clinical testing. Allele origin: unknown.
Comment: NM_000053.3(ATP7B):c.2261A>G(E754G) is a missense variant classified as a variant of uncertain significance in the context of Wilson disease. E754G has been observed in cases with relevant disease (PMID: 27022412, 34470610, 35220961). Relevant functional assessments of this variant are not available in the literature. E754G has not been observed in referenced population frequency databases. In summary, there is insufficient evidence to classify NM_000053.3(ATP7B):c.2261A>G(E754G) as pathogenic or benign. Please note: this variant was assessed in the context of healthy population screening.

Labcorp Genetics (formerly Invitae), Labcorp
Classification: Uncertain significance for Wilson disease. Last evaluated: 2022-06-10. Review status: criteria provided, single submitter. Criteria: Invitae Variant Classification Sherloc (09022015). Collection method: clinical testing. Allele origin: germline.
Comment: This missense change has been observed in individual(s) with ATP7B-related conditions (PMID: 27022412). This variant is not present in population databases (gnomAD no frequency). This sequence change replaces glutamic acid, which is acidic and polar, with glycine, which is neutral and non-polar, at codon 754 of the ATP7B protein (p.Glu754Gly). Advanced modeling of protein sequence and biophysical properties (such as structural, functional, and spatial information, amino acid conservation, physicochemical variation, residue mobility, and thermodynamic stability) performed at Invitae indicates that this missense variant is expected to disrupt ATP7B protein function. In summary, the available evidence is currently insufficient to determine the role of this variant in disease. Therefore, it has been classified as a Variant of Uncertain Significance.

Literature cited by the submitters: PubMed 27022412 (cited by Myriad Genetics, Inc. and Labcorp Genetics (formerly Invitae), Labcorp); PubMed 34470610 (cited by Myriad Genetics, Inc.); PubMed 35220961 (cited by Myriad Genetics, Inc.).

NM_000053.4(ATP7B):c.2261A>G (p.Glu754Gly)

Gene: ATP7B (ATPase copper transporting beta; minus strand). Cytogenetic location: 13q14.3.
Variant type: single nucleotide variant.
Coding change: c.2261A>G on transcript NM_000053.4 (MANE Select); coding-DNA position 2261, A replaced by G.
Protein change: p.Glu754Gly; replaces glutamic acid 754 with glycine.
Molecular consequence: missense variant. On other transcripts: intron variant (2).
Genome position (GRCh38, 1-based): chr13:51,958,405, T>C on the plus strand (A>G on the coding strand, the complement: ATP7B is on the minus strand). VCF-style: chr13-51958405-T-C. GRCh37 (hg19) VCF-style: chr13-52532541-T-C.
Other names: c.1928A>G, p.Glu643Gly (NM_001243182.2); c.2009A>G, p.Glu670Gly (NM_001330579.2, NM_001406531.1, NM_001406532.1 and 1 more transcripts); c.2261A>G, p.Glu754Gly (NM_001406511.1, NM_001406512.1, NM_001406535.1 and 7 more transcripts); c.1832A>G, p.Glu611Gly (NM_001406539.1); c.1913A>G, p.Glu638Gly (NM_001406543.1); c.1870-798A>G (NM_001005918.3); c.2122-798A>G (NM_001330578.2); c.2228A>G, p.Glu743Gly (NM_001406514.1); and 1 more; short protein forms E611G, E638G, E754G, E643G, E722G, E743G, E670G.
Identifiers: ClinVar variation 2137527 (VCV002137527.5), dbSNP rs2547715385, ClinGen allele CA388022180.
Genomic context (GRCh38, chr13:51,958,405, plus strand): 5'-ATGAACACAAAGAGCATGGGGGGCGTGTCGAAGAATGTCACAGGGCTCCTCTCCGCCTTC[T>C]CAGCCACAGCAACCACCAGGATGACCAGAGAATAAACATAAGCAATGCTTGTGGCCAGGA-3'
Protein context (NP_000044.2, residues 744-764): SLVILVVAVA[Glu754Gly]KAERSPVTFF